The following is an entry in ClinVar:

ClinVar aggregate classification (germline): Uncertain significance (1 of 4 stars; one submission).

Conditions:
Immunodeficiency, common variable, 7. Identifiers: Orphanet 1572, Orphanet 696894, MedGen C3542922, MONDO:0013862, OMIM 614699.

Allele frequency attached by ClinVar (database versions not stated): TOPMed below 0.00001.

Submission:

Labcorp Genetics (formerly Invitae), Labcorp
Classification: Uncertain significance for Immunodeficiency, common variable, 7. Last evaluated: 2022-05-06. Review status: criteria provided, single submitter. Criteria: Invitae Variant Classification Sherloc (09022015). Collection method: clinical testing. Allele origin: germline.
Comment: In summary, the available evidence is currently insufficient to determine the role of this variant in disease. Therefore, it has been classified as a Variant of Uncertain Significance. Algorithms developed to predict the effect of missense changes on protein structure and function are either unavailable or do not agree on the potential impact of this missense change (SIFT: "Deleterious"; PolyPhen-2: "Possibly Damaging"; Align-GVGD: "Class C0"). This variant has not been reported in the literature in individuals affected with CR2-related conditions. This variant is not present in population databases (gnomAD no frequency). This sequence change replaces proline, which is neutral and non-polar, with leucine, which is neutral and non-polar, at codon 144 of the CR2 protein (p.Pro144Leu).

NM_001006658.3(CR2):c.431C>T (p.Pro144Leu)

Gene: CR2 (complement C3d receptor 2; plus strand). Cytogenetic location: 1q32.2.
Variant type: single nucleotide variant.
Coding change: c.431C>T on transcript NM_001006658.3 (MANE Select); coding-DNA position 431, C replaced by T.
Protein change: p.Pro144Leu; replaces proline 144 with leucine.
Molecular consequence: missense variant.
Genome position (GRCh38, 1-based): chr1:207,466,898, C>T. VCF-style: chr1-207466898-C-T. GRCh37 (hg19) VCF-style: chr1-207640243-C-T.
Other names: c.431C>T, p.Pro144Leu (NM_001877.5); short protein forms P144L.
Identifiers: ClinVar variation 2134710 (VCV002134710.4), dbSNP rs1658117045, ClinGen allele CA344524005.